The following is an entry in ClinVar:

ClinVar aggregate classification (germline): Benign/Likely benign. Review status: criteria provided, multiple submitters, no conflicts (2 of 4 stars). 5 submissions from 5 submitters: Benign (1); Likely benign (4). Last evaluated 2025-09-07.

Conditions:
Multiple endocrine neoplasia, type 2 (MEN2). Identifiers: Orphanet 653, MedGen C4048306, MONDO:0019003. Disease mechanism: gain of function.
Multiple endocrine neoplasia type 2A. Also called: Multiple Endocrine Neoplasia Type 2A (MEN2A); MULTIPLE ENDOCRINE NEOPLASIA, TYPE IIA; PTC SYNDROME; SIPPLE SYNDROME; MEN 2A; MEN-2A syndrome. Identifiers: Orphanet 247698, Orphanet 653, MedGen C0025268, MeSH D018813, MONDO:0008234, OMIM 171400.
Hereditary cancer-predisposing syndrome. Also called: Tumor predisposition; Hereditary Cancer Syndrome; Hereditary neoplastic syndrome; Neoplastic Syndromes, Hereditary. Identifiers: Orphanet 140162, MedGen C0027672, MeSH D009386, MONDO:0015356.

Allele frequency attached by ClinVar (database versions not stated): gnomAD exomes below 0.00001 and 0.00001; gnomAD 0.00001; TOPMed 0.00001.
gnomAD v4.1: 11 of 1,613,092 alleles (0.00068%); highest among the groups gnomAD compares: Middle Eastern, 0.017%; no homozygotes.

Submissions (5):

Labcorp Genetics (formerly Invitae), Labcorp
Classification: Likely benign for Multiple endocrine neoplasia, type 2. Last evaluated: 2025-09-07. Review status: criteria provided, single submitter. Criteria: Invitae Variant Classification Sherloc (09022015). Collection method: clinical testing. Allele origin: germline.

Myriad Genetics, Inc.
Classification: Benign for Multiple endocrine neoplasia type 2A. Last evaluated: 2025-02-27. Review status: criteria provided, single submitter. Criteria: Myriad Autosomal Dominant, Autosomal Recessive and X-Linked Classification Criteria (2023). Collection method: clinical testing. Allele origin: unknown.
Comment: This variant is considered benign. This variant is a silent/synonymous amino acid change and it is not expected to impact splicing.

All of Us Research Program, National Institutes of Health
Classification: Likely benign for Multiple endocrine neoplasia, type 2. Last evaluated: 2023-11-28. Review status: criteria provided, single submitter. Criteria: ACMG Guidelines, 2015. Collection method: clinical testing. Allele origin: germline. Inheritance: Autosomal dominant inheritance. Observed: 3 variant alleles, 3 heterozygotes.
Comment: This study involves interpretation of variants in research participants for the purpose of population health screening. Participant phenotype was not available at the time of variant classification. Additional details can be found in publication PMID: 35346344, PMCID: PMC8962531

Color Diagnostics, LLC DBA Color Health
Classification: Likely benign for Multiple endocrine neoplasia, type 2. Last evaluated: 2023-08-09. Review status: criteria provided, single submitter. Criteria: ACMG Guidelines, 2015. Collection method: clinical testing. Allele origin: germline.

Ambry Genetics
Classification: Likely benign for Hereditary cancer-predisposing syndrome. Last evaluated: 2016-12-22. Review status: criteria provided, single submitter. Criteria: Ambry Variant Classification Scheme 2023. Collection method: clinical testing. Allele origin: germline.

NM_020975.6(RET):c.2598C>T (p.Ala866=)

Gene: RET (ret proto-oncogene; plus strand). Cytogenetic location: 10q11.21.
Variant type: single nucleotide variant.
Coding change: c.2598C>T on transcript NM_020975.6 (MANE Select); coding-DNA position 2598, C replaced by T.
Protein change: p.Ala866=; no amino-acid change (alanine 866 retained).
Molecular consequence: synonymous variant.
Genome position (GRCh38, 1-based): chr10:43,119,736, C>T. VCF-style: chr10-43119736-C-T. GRCh37 (hg19) VCF-style: chr10-43615184-C-T.
Other names: c.2598C>T, p.Ala866= (NM_000323.2, NM_001406743.1, NM_001406744.1 and 4 more transcripts); c.1836C>T, p.Ala612= (NM_001355216.2); c.2469C>T, p.Ala823= (NM_001406761.1, NM_001406762.1, NM_001406764.1); c.2463C>T, p.Ala821= (NM_001406763.1, NM_001406765.1); c.2310C>T, p.Ala770= (NM_001406766.1, NM_001406767.1, NM_001406770.1); c.2334C>T, p.Ala778= (NM_001406768.1); c.2202C>T, p.Ala734= (NM_001406769.1, NM_001406772.1); c.2160C>T, p.Ala720= (NM_001406771.1, NM_001406773.1); and 10 more.
Identifiers: ClinVar variation 486318 (VCV000486318.18), dbSNP rs202029768, ClinGen allele CA206266645.